The following is an entry in ClinVar:

ClinVar aggregate classification (germline): Uncertain significance (1 of 4 stars; one submission).

Submission:

GeneDx
Classification: Uncertain significance. Last evaluated: 2017-04-27. Review status: criteria provided, single submitter. Criteria: GeneDx Variant Classification (06012015). Collection method: clinical testing. Allele origin: germline. Affected: yes.
Comment: A variant of uncertain significance has been identified in the POLG gene. The P514S variant has not been published as a pathogenic variant, nor has it been reported as a benign variant to our knowledge. The P514S variant is not observed in large population cohorts (Lek et al., 2016; 1000 Genomes Consortium et al., 2015; Exome Variant Server). The P514S variant is a non-conservative amino acid substitution, which is likely to impact secondary protein structure as these residues differ in polarity, charge, size and/or other properties. This substitution occurs at a position that is conserved in mammals. Furthermore, missense variants in nearby residues (S511N, K512M, G517V) have been reported in the Human Gene Mutation Database in association with POLG-related disorders (Stenson et al., 2014), supporting the functional importance of this region of the protein. However, in silico analysis is inconsistent in its predictions as to whether or not the variant is damaging to the protein structure/function. Therefore, based on the currently available information, it is unclear whether this variant is a pathogenic variant or a rare benign variant.

NM_002693.3(POLG):c.1540C>T (p.Pro514Ser)

Genes: POLG (DNA polymerase gamma, catalytic subunit; minus strand), POLGARF (POLG alternative reading frame; minus strand). Cytogenetic location: 15q26.1.
Variant type: single nucleotide variant.
Coding change: c.1540C>T on transcript NM_002693.3 (MANE Select); coding-DNA position 1540, C replaced by T.
Protein change: p.Pro514Ser; replaces proline 514 with serine.
Molecular consequence: missense variant.
Genome position (GRCh38, 1-based): chr15:89,326,957, G>A on the plus strand (C>T on the coding strand, the complement: POLG is on the minus strand). VCF-style: chr15-89326957-G-A. GRCh37 (hg19) VCF-style: chr15-89870188-G-A.
Other names: c.1540C>T, p.Pro514Ser (NM_001126131.2); short protein forms P514S.
Identifiers: ClinVar variation 429290 (VCV000429290.2), dbSNP rs756376617, ClinGen allele CA393760789.